The following is an entry in ClinVar:

ClinVar aggregate classification (germline): Likely benign. Review status: criteria provided, multiple submitters, no conflicts (2 of 4 stars). 2 submissions from 2 submitters: Likely benign (2). Last evaluated 2026-01-26.

Conditions:
TICAM1-related disorder. Also called: TICAM1-related condition.
Encephalopathy, acute, infection-induced (herpes-specific), susceptibility to, 6. Also called: Herpes simplex encephalitis, susceptibility to, 4. Identifiers: Orphanet 1930, MedGen C3553869, MONDO:0013921, OMIM 614850.

Allele frequency attached by ClinVar (database versions not stated): gnomAD 0.00017 and 0.00014; gnomAD exomes 0.00044; 1000 Genomes Project 0.00100; TOPMed 0.00037; ExAC 0.00040; 1000 Genomes Project 30x 0.00078.
gnomAD v4.1: 149 of 1,614,078 alleles (0.0092%); highest among the groups gnomAD compares: East Asian, 0.28%; no homozygotes.

Submissions (2):

Labcorp Genetics (formerly Invitae), Labcorp
Classification: Likely benign for Encephalopathy, acute, infection-induced (herpes-specific), susceptibility to, 6. Last evaluated: 2026-01-26. Review status: criteria provided, single submitter. Criteria: Invitae Variant Classification Sherloc (09022015). Collection method: clinical testing. Allele origin: germline.

PreventionGenetics, part of Exact Sciences
Classification: Likely benign for TICAM1-related condition. Last evaluated: 2025-11-21. Review status: criteria provided, single submitter. Criteria: ACMG Guidelines, 2015. Collection method: clinical testing. Allele origin: germline.
Comment: This variant is classified as likely benign based on ACMG/AMP sequence variant interpretation guidelines (Richards et al. 2015 PMID: 25741868, with internal and published modifications).

NM_182919.4(TICAM1):c.1678C>T (p.Arg560Trp)

Gene: TICAM1 (TIR domain containing adaptor molecule 1; minus strand). Cytogenetic location: 19p13.3.
Variant type: single nucleotide variant.
Coding change: c.1678C>T on transcript NM_182919.4 (MANE Select); coding-DNA position 1678, C replaced by T.
Protein change: p.Arg560Trp; replaces arginine 560 with tryptophan.
Molecular consequence: missense variant.
Genome position (GRCh38, 1-based): chr19:4,816,700, G>A on the plus strand (C>T on the coding strand, the complement: TICAM1 is on the minus strand). VCF-style: chr19-4816700-G-A. GRCh37 (hg19) VCF-style: chr19-4816712-G-A.
Other names: c.1636C>T, p.Arg546Trp (NM_001385678.1); c.1543C>T, p.Arg515Trp (NM_001385679.1); c.1036C>T, p.Arg346Trp (NM_001385680.1); short protein forms R560W, R346W, R515W, R546W.
Identifiers: ClinVar variation 755529 (VCV000755529.12), dbSNP rs139939816, ClinGen allele CA9105083.